The following is an entry in ClinVar:

ClinVar aggregate classification (germline): Uncertain significance (1 of 4 stars; one submission).

Submission:

GeneDx
Classification: Uncertain significance. Last evaluated: 2025-09-16. Review status: criteria provided, single submitter. Criteria: GeneDx Variant Classification Process June 2021. Collection method: clinical testing. Allele origin: germline. Affected: yes.
Comment: Not observed at significant frequency in large population cohorts (gnomAD); In silico analysis suggests that this missense variant does not alter protein structure/function; Has not been previously published as pathogenic or benign to our knowledge

NM_019597.5(HNRNPH2):c.479C>T (p.Ala160Val)

Genes: HNRNPH2 (heterogeneous nuclear ribonucleoprotein H2; plus strand), RPL36A-HNRNPH2 (RPL36A-HNRNPH2 readthrough; plus strand). Cytogenetic location: Xq22.1.
Variant type: single nucleotide variant.
Coding change: c.479C>T on transcript NM_019597.5 (MANE Select); coding-DNA position 479, C replaced by T.
Protein change: p.Ala160Val; replaces alanine 160 with valine.
Molecular consequence: missense variant. On other transcripts: 3 prime UTR variant (2).
Genome position (GRCh38, 1-based): chrX:101,412,467, C>T. VCF-style: chrX-101412467-C-T. GRCh37 (hg19) VCF-style: chrX-100667455-C-T.
Other names: c.*475C>T (NM_001199973.2, NM_001199974.2); c.479C>T, p.Ala160Val (NM_001032393.3); short protein forms A160V.
Identifiers: ClinVar variation 4813411 (VCV004813411.1).